The following is an entry in ClinVar:

NM_006231.4(POLE):c.3870G>C (p.Arg1290Ser)

Gene: POLE (DNA polymerase epsilon, catalytic subunit; minus strand). Cytogenetic location: 12q24.33.
Variant type: single nucleotide variant.
Coding change: c.3870G>C on transcript NM_006231.4 (MANE Select); coding-DNA position 3870, G replaced by C.
Protein change: p.Arg1290Ser; replaces arginine 1290 with serine.
Molecular consequence: missense variant.
Genome position (GRCh38, 1-based): chr12:132,649,441, C>G on the plus strand (G>C on the coding strand, the complement: POLE is on the minus strand). VCF-style: chr12-132649441-C-G. GRCh37 (hg19) VCF-style: chr12-133226027-C-G.
Other names: short protein forms R1290S.
Identifiers: ClinVar variation 473627 (VCV000473627.11), dbSNP rs1206673155, ClinGen allele CA387385333.

ClinVar aggregate classification (germline): Uncertain significance. Review status: criteria provided, multiple submitters, no conflicts (2 of 4 stars). 3 submissions from 3 submitters: Uncertain significance (3). Last evaluated 2024-10-31.

Conditions:
Hereditary cancer-predisposing syndrome. Also called: Neoplastic Syndromes, Hereditary; Tumor predisposition; Hereditary Cancer Syndrome; Hereditary neoplastic syndrome. Identifiers: Orphanet 140162, MedGen C0027672, MeSH D009386, MONDO:0015356.

Allele frequency attached by ClinVar (database versions not stated): gnomAD exomes below 0.00001; TOPMed below 0.00001; gnomAD 0.00001.
gnomAD v4.1: 4 of 1,612,718 alleles (0.00025%); highest among the groups gnomAD compares: African/African-American, 0.0053%; no homozygotes.

Submissions (3):

Labcorp Genetics (formerly Invitae), Labcorp
Classification: Uncertain significance. Last evaluated: 2024-10-31. Review status: criteria provided, single submitter. Criteria: Invitae Variant Classification Sherloc (09022015). Collection method: clinical testing. Allele origin: germline.
Comment: This sequence change replaces arginine, which is basic and polar, with serine, which is neutral and polar, at codon 1290 of the POLE protein (p.Arg1290Ser). This variant is present in population databases (no rsID available, gnomAD 0.01%). This variant has not been reported in the literature in individuals affected with POLE-related conditions. ClinVar contains an entry for this variant (Variation ID: 473627). Invitae Evidence Modeling of protein sequence and biophysical properties (such as structural, functional, and spatial information, amino acid conservation, physicochemical variation, residue mobility, and thermodynamic stability) indicates that this missense variant is not expected to disrupt POLE protein function with a negative predictive value of 80%. In summary, the available evidence is currently insufficient to determine the role of this variant in disease. Therefore, it has been classified as a Variant of Uncertain Significance.

GeneDx
Classification: Uncertain significance. Last evaluated: 2022-08-30. Review status: criteria provided, single submitter. Criteria: GeneDx Variant Classification Process June 2021. Collection method: clinical testing. Allele origin: germline. Affected: yes.
Comment: Not observed at significant frequency in large population cohorts (gnomAD); In silico analysis supports that this missense variant does not alter protein structure/function; Has not been previously published as pathogenic or benign to our knowledge

Ambry Genetics
Classification: Uncertain significance for Hereditary cancer-predisposing syndrome. Last evaluated: 2022-04-07. Review status: criteria provided, single submitter. Criteria: Ambry Variant Classification Scheme 2023. Collection method: clinical testing. Allele origin: germline.
Comment: The p.R1290S variant (also known as c.3870G>C), located in coding exon 31 of the POLE gene, results from a G to C substitution at nucleotide position 3870. The arginine at codon 1290 is replaced by serine, an amino acid with dissimilar properties. This amino acid position is conserved. In addition, this alteration is predicted to be tolerated by in silico analysis. Since supporting evidence is limited at this time, the clinical significance of this alteration remains unclear.